The following is an entry in ClinVar:

ClinVar aggregate classification (germline): Uncertain significance (1 of 4 stars; one submission).

Submission:

GeneDx
Classification: Uncertain significance. Last evaluated: 2022-04-29. Review status: criteria provided, single submitter. Criteria: GeneDx Variant Classification Process June 2021. Collection method: clinical testing. Allele origin: germline. Affected: yes.
Comment: Not observed at significant frequency in large population cohorts (gnomAD); In silico analysis supports that this missense variant does not alter protein structure/function; Has not been previously published as pathogenic or benign to our knowledge

NM_014727.3(KMT2B):c.1660C>A (p.Pro554Thr)

Gene: KMT2B (lysine methyltransferase 2B; plus strand). Cytogenetic location: 19q13.12.
Variant type: single nucleotide variant.
Coding change: c.1660C>A on transcript NM_014727.3 (MANE Select); coding-DNA position 1660, C replaced by A.
Protein change: p.Pro554Thr; replaces proline 554 with threonine.
Molecular consequence: missense variant.
Genome position (GRCh38, 1-based): chr19:35,721,007, C>A. VCF-style: chr19-35721007-C-A. GRCh37 (hg19) VCF-style: chr19-36211909-C-A.
Other names: short protein forms P554T.
Identifiers: ClinVar variation 1712859 (VCV001712859.2), dbSNP rs1284079488, ClinGen allele CA405392870.